The following is an entry in ClinVar:

ClinVar aggregate classification (germline): Pathogenic. Review status: criteria provided, multiple submitters, no conflicts (2 of 4 stars). 2 submissions from 2 submitters: Pathogenic (2). Last evaluated 2022-07-24.

Conditions:
Duchenne muscular dystrophy (DMD). Also called: Duchenne Muscular Dystrophy (DMD); MUSCULAR DYSTROPHY, PSEUDOHYPERTROPHIC PROGRESSIVE, DUCHENNE TYPE. Identifiers: Orphanet 98896, MedGen C0013264, MONDO:0010679, OMIM 310200.

Submissions (2):

Labcorp Genetics (formerly Invitae), Labcorp
Classification: Pathogenic for Duchenne muscular dystrophy. Last evaluated: 2022-07-24. Review status: criteria provided, single submitter. Criteria: Invitae Variant Classification Sherloc (09022015). Collection method: clinical testing. Allele origin: germline.
Comment: For these reasons, this variant has been classified as Pathogenic. This premature translational stop signal has been observed in individual(s) with Duchenne muscular dystrophy (PMID: 16049303). This variant is not present in population databases (gnomAD no frequency). This sequence change creates a premature translational stop signal (p.Gln1175*) in the DMD gene. It is expected to result in an absent or disrupted protein product. Loss-of-function variants in DMD are known to be pathogenic (PMID: 16770791, 25007885).

Genomic Diagnostics Laboratory, National Institute of Medical Genomics
Classification: Pathogenic for Duchenne muscular dystrophy. Review status: criteria provided, single submitter. Criteria: ACMG Guidelines, 2015. Collection method: research. Allele origin: germline. Affected: yes.

Literature cited by the submitters: PubMed 16049303 (cited by Labcorp Genetics (formerly Invitae), Labcorp); PubMed 16770791 (cited by Labcorp Genetics (formerly Invitae), Labcorp); PubMed 25007885 (cited by Labcorp Genetics (formerly Invitae), Labcorp).

NM_004006.3(DMD):c.3523C>T (p.Gln1175Ter)

Gene: DMD (dystrophin; minus strand). Cytogenetic location: Xp21.1.
Variant type: single nucleotide variant.
Coding change: c.3523C>T on transcript NM_004006.3 (MANE Select); coding-DNA position 3523, C replaced by T.
Protein change: p.Gln1175Ter; replaces glutamine 1175 with a stop codon.
Molecular consequence: nonsense.
Genome position (GRCh38, 1-based): chrX:32,454,742, G>A on the plus strand (C>T on the coding strand, the complement: DMD is on the minus strand). VCF-style: chrX-32454742-G-A. GRCh37 (hg19) VCF-style: chrX-32472859-G-A.
Other names: c.3499C>T, p.Gln1167Ter (NM_000109.4); c.3511C>T, p.Gln1171Ter (NM_004009.3); c.3154C>T, p.Gln1052Ter (NM_004010.3); short protein forms Q1052*, Q1167*, Q1175*, Q1171*.
Identifiers: ClinVar variation 2019438 (VCV002019438.5), dbSNP rs2524367671, ClinGen allele CA412663180.
Genomic context (GRCh38, chrX:32,454,742, plus strand): 5'-TCTGTAATTCATCTGGAGTTTTATATTCAAAATCTCTCTCAAGATACTCTTCTTCAGCTT[G>A]TGTCATCCATTCGTGCATCTCTGATAGATCTTTCTGGAGGCTTACAGTTTTCTCCAAACC-3'